The following is an entry in ClinVar:

NM_020987.5(ANK3):c.10029A>G (p.Gln3343=)

Gene: ANK3 (ankyrin 3; minus strand). Cytogenetic location: 10q21.2.
Variant type: single nucleotide variant.
Coding change: c.10029A>G on transcript NM_020987.5 (MANE Select); coding-DNA position 10029, A replaced by G.
Protein change: p.Gln3343=; no amino-acid change (glutamine 3343 retained).
Molecular consequence: synonymous variant. On other transcripts: intron variant (4).
Genome position (GRCh38, 1-based): chr10:60,070,852, T>C on the plus strand (A>G on the coding strand, the complement: ANK3 is on the minus strand). VCF-style: chr10-60070852-T-C. GRCh37 (hg19) VCF-style: chr10-61830610-T-C.
Other names: c.4388-2843A>G (NM_001204403.2); c.4409-2843A>G (NM_001204404.2); c.4406-2843A>G (NM_001320874.2); c.1808-2843A>G (NM_001149.4).
Identifiers: ClinVar variation 1559335 (VCV001559335.9), dbSNP rs201376469, ClinGen allele CA5511291.

ClinVar aggregate classification (germline): Likely benign. Review status: criteria provided, multiple submitters, no conflicts (2 of 4 stars). 2 submissions from 2 submitters: Likely benign (2). Last evaluated 2026-07-01.

Allele frequency attached by ClinVar (database versions not stated): gnomAD 0.00008; gnomAD exomes 0.00008 and 0.00010; TOPMed 0.00009; ESP Exome Variant Server 0.00015; ExAC 0.00016; 1000 Genomes Project 0.00020; 1000 Genomes Project 30x 0.00031.
gnomAD v4.1: 136 of 1,614,158 alleles (0.0084%); highest among the groups gnomAD compares: Admixed American, 0.043%; no homozygotes.

Submissions (2):

CeGaT Center for Human Genetics Tuebingen
Classification: Likely benign. Last evaluated: 2026-07-01. Review status: criteria provided, single submitter. Criteria: CeGaT Center For Human Genetics Tuebingen Variant Classification Criteria Version 2. Collection method: clinical testing. Allele origin: germline. Affected: yes. Observed: 2 variant alleles.
Comment: ANK3: BP4, BP7

Labcorp Genetics (formerly Invitae), Labcorp
Classification: Likely benign. Last evaluated: 2026-01-07. Review status: criteria provided, single submitter. Criteria: Invitae Variant Classification Sherloc (09022015). Collection method: clinical testing. Allele origin: germline.